The following is an entry in ClinVar:

NM_006059.4(LAMC3):c.3101C>T (p.Thr1034Met)

Gene: LAMC3 (laminin subunit gamma 3; plus strand). Cytogenetic location: 9q34.12.
Variant type: single nucleotide variant.
Coding change: c.3101C>T on transcript NM_006059.4 (MANE Select); coding-DNA position 3101, C replaced by T.
Protein change: p.Thr1034Met; replaces threonine 1034 with methionine.
Molecular consequence: missense variant.
Genome position (GRCh38, 1-based): chr9:131,071,515, C>T. VCF-style: chr9-131071515-C-T. GRCh37 (hg19) VCF-style: chr9-133946902-C-T.
Other names: c.3101C>T (NM_006059.3); short protein forms T1034M.
Identifiers: ClinVar variation 1525779 (VCV001525779.6), dbSNP rs149131135, ClinGen allele CA5287679.

ClinVar aggregate classification (germline): Uncertain significance. Review status: criteria provided, multiple submitters, no conflicts (2 of 4 stars). 4 submissions from 4 submitters: Uncertain significance (4). Last evaluated 2025-12-29.

Allele frequency attached by ClinVar (database versions not stated): ESP Exome Variant Server 0.00038; gnomAD 0.00051 and 0.00052; TOPMed 0.00056; 1000 Genomes Project 30x 0.00109; 1000 Genomes Project 0.00120.
gnomAD v4.1: 567 of 1,613,876 alleles (0.035%); highest among the groups gnomAD compares: African/African-American, 0.16%; no homozygotes.

Submissions (4):

GeneDx
Classification: Uncertain significance. Last evaluated: 2025-12-29. Review status: criteria provided, single submitter. Criteria: GeneDx Variant Classification Process June 2021. Collection method: clinical testing. Allele origin: germline.
Comment: In silico analysis suggests that this missense variant does not alter protein structure/function; Has not been previously published as pathogenic or benign to our knowledge

Blueprint Genetics
Classification: Uncertain significance. Last evaluated: 2024-11-27. Review status: criteria provided, single submitter. Criteria: ACMG Guidelines, 2015. Collection method: clinical testing. Allele origin: germline.

Labcorp Genetics (formerly Invitae), Labcorp
Classification: Uncertain significance. Last evaluated: 2022-10-17. Review status: criteria provided, single submitter. Criteria: Invitae Variant Classification Sherloc (09022015). Collection method: clinical testing. Allele origin: germline.
Comment: This sequence change replaces threonine, which is neutral and polar, with methionine, which is neutral and non-polar, at codon 1034 of the LAMC3 protein (p.Thr1034Met). This variant is present in population databases (rs149131135, gnomAD 0.1%). This variant has not been reported in the literature in individuals affected with LAMC3-related conditions. ClinVar contains an entry for this variant (Variation ID: 1525779). Algorithms developed to predict the effect of missense changes on protein structure and function output the following: SIFT: "Tolerated"; PolyPhen-2: "Benign"; Align-GVGD: "Class C0". The methionine amino acid residue is found in multiple mammalian species, which suggests that this missense change does not adversely affect protein function. In summary, the available evidence is currently insufficient to determine the role of this variant in disease. Therefore, it has been classified as a Variant of Uncertain Significance.

Breakthrough Genomics
Classification: Uncertain significance. Review status: criteria provided, single submitter. Criteria: ACMG Guidelines, 2015. Collection method: not provided. Allele origin: germline. Inheritance: Autosomal recessive inheritance. Affected: yes.